The following is an entry in ClinVar:

ClinVar aggregate classification (germline): Uncertain significance. Review status: criteria provided, multiple submitters, no conflicts (2 of 4 stars). 2 submissions from 2 submitters: Uncertain significance (2). Last evaluated 2025-11-21.

gnomAD v4.1: 3 of 1,613,948 alleles (0.00019%); highest among the groups gnomAD compares: African/African-American, 0.0013%; no homozygotes.

Submissions (2):

Dasa
Classification: Uncertain significance. Last evaluated: 2025-11-21. Review status: criteria provided, single submitter. Criteria: DASA Assertion Criteria. Collection method: clinical testing. Allele origin: germline.
Comment: NM_001004434.3(SLC30A2):c.943C>T (p.Gln315*) is a nonsense variant in SLC30A2 predicted to introduce a premature termination codon and is predicted to result in an absent or altered protein product. This variant is rare in population databases. The currently available literature and clinical evidence are not sufficient to establish a definitive association between this variant and the reported condition. Therefore, this variant is classified as a variant of uncertain significance.

Blueprint Genetics
Classification: Uncertain significance. Last evaluated: 2024-02-27. Review status: criteria provided, single submitter. Criteria: ACMG Guidelines, 2015. Collection method: clinical testing. Allele origin: germline.

NM_001004434.3(SLC30A2):c.943C>T (p.Gln315Ter)

Gene: SLC30A2 (solute carrier family 30 member 2; minus strand). Cytogenetic location: 1p36.11.
Variant type: single nucleotide variant.
Coding change: c.943C>T on transcript NM_001004434.3 (MANE Select); coding-DNA position 943, C replaced by T.
Protein change: p.Gln315Ter; replaces glutamine 315 with a stop codon.
Molecular consequence: nonsense.
Genome position (GRCh38, 1-based): chr1:26,039,807, G>A on the plus strand (C>T on the coding strand, the complement: SLC30A2 is on the minus strand). VCF-style: chr1-26039807-G-A. GRCh37 (hg19) VCF-style: chr1-26366298-G-A.
Other names: c.796C>T, p.Gln266Ter (NM_032513.5); short protein forms Q266*, Q315*.
Identifiers: ClinVar variation 4885239 (VCV004885239.3).